The following is an entry in ClinVar:

NM_000091.5(COL4A3):c.1022G>A (p.Arg341His)

Genes: MFF-DT (MFF divergent transcript; minus strand), COL4A3 (collagen type IV alpha 3 chain; plus strand). Cytogenetic location: 2q36.3.
Variant type: single nucleotide variant.
Coding change: c.1022G>A on transcript NM_000091.5 (MANE Select); coding-DNA position 1022, G replaced by A.
Protein change: p.Arg341His; replaces arginine 341 with histidine.
Molecular consequence: missense variant.
Genome position (GRCh38, 1-based): chr2:227,257,637, G>A. VCF-style: chr2-227257637-G-A. GRCh37 (hg19) VCF-style: chr2-228122353-G-A.
Other names: short protein forms R341H.
Identifiers: ClinVar variation 599070 (VCV000599070.18), dbSNP rs200738124, ClinGen allele CA2146490.

ClinVar aggregate classification (germline): Conflicting classifications of pathogenicity. Review status: criteria provided, conflicting classifications (1 of 4 stars). 9 submissions from 9 submitters: Likely pathogenic (1); Uncertain significance (7). 1 of the submissions does not count toward it. Last evaluated 2025-12-04.

Conditions:
Alport syndrome 3b, autosomal recessive. Identifiers: MedGen C5882699, MONDO:0957811, OMIM 620536.
Hematuria, benign familial, 2 (BFH2). Identifiers: MedGen C5830421, MONDO:0958186, OMIM 620320.
Autosomal dominant Alport syndrome (ATS3A). Also called: ALPORT SYNDROME 3A, AUTOSOMAL DOMINANT; Alport syndrome dominant type; Renal failure and sensorineural hearing loss. Identifiers: Orphanet 63, Orphanet 88918, MedGen C5882663, MONDO:0007086, OMIM 104200.
Alport syndrome. Also called: Hemorrhagic familial nephritis; Hemorrhagic hereditary nephritis; Congenital hereditary hematuria. Identifiers: Orphanet 63, MedGen C1567741, MONDO:0018965.

Allele frequency attached by ClinVar (database versions not stated): TOPMed 0.00002; gnomAD 0.00003; gnomAD exomes 0.00004; ExAC 0.00005.
gnomAD v4.1: 34 of 1,613,580 alleles (0.0021%); highest among the groups gnomAD compares: Middle Eastern, 0.016%; no homozygotes.

Submissions (9):

Dasa
Classification: Uncertain significance for Alport syndrome 3b, autosomal recessive. Last evaluated: 2025-12-04. Review status: criteria provided, single submitter. Criteria: DASA Assertion Criteria. Collection method: clinical testing. Allele origin: germline.
Comment: NM_000091.5(COL4A3):c.1022G>A (p.Arg341His) is a missense variant that results in the substitution of arginine with histidine. The affected residue or protein region has prior evidence supporting clinical relevance. This variant is rare in population databases. The currently available literature and clinical evidence are not sufficient to establish a definitive association between this variant and the reported condition. Therefore, this variant is classified as a variant of uncertain significance.

Labcorp Genetics (formerly Invitae), Labcorp
Classification: Uncertain significance. Last evaluated: 2025-11-01. Review status: criteria provided, single submitter. Criteria: Invitae Variant Classification Sherloc (09022015). Collection method: clinical testing. Allele origin: germline.
Comment: This sequence change replaces arginine, which is basic and polar, with histidine, which is basic and polar, at codon 341 of the COL4A3 protein (p.Arg341His). This variant is present in population databases (rs200738124, gnomAD 0.009%). This variant has not been reported in the literature in individuals affected with COL4A3-related conditions. ClinVar contains an entry for this variant (Variation ID: 599070). Invitae Evidence Modeling of protein sequence and biophysical properties (such as structural, functional, and spatial information, amino acid conservation, physicochemical variation, residue mobility, and thermodynamic stability) indicates that this missense variant is not expected to disrupt COL4A3 protein function with a negative predictive value of 95%. In summary, the available evidence is currently insufficient to determine the role of this variant in disease. Therefore, it has been classified as a Variant of Uncertain Significance.

Victorian Clinical Genetics Services, Murdoch Childrens Research Institute
Classification: Uncertain significance for Alport syndrome. Last evaluated: 2025-10-21. Review status: criteria provided, single submitter. Criteria: ACMG Guidelines, 2015. Collection method: clinical testing. Allele origin: germline. Affected: yes.
Comment: This variant is classified as VUS-3C. Evidence in support of pathogenic classification: Variant is present in gnomAD <0.01 (v4: 34 heterozygote(s), 0 homozygote(s)) . Evidence in support of benign classification: Missense variant predicted to be tolerated by in silico tool(s) or not conserved in placental mammals with a minor amino acid change. Additional information: Variant is predicted to result in a missense amino acid change from Arg to His; This variant is heterozygous; This gene is associated with both recessive and dominant Alport syndrome (MONDO:0018965), COL4A3-related; Alternative amino acid change(s) at the same position are present in gnomAD (Highest allele count: v4: 22 heterozygote(s), 0 homozygote(s)) ; Previous evidence of pathogenicity for this variant is inconclusive. This variant has been clasified several times as a VUS by a clinical laboratory in ClinVar. Additionally, this variant has been reported as pathogenic in an individual with focal segmental glomerulosclerosis and nephrotic syndrome (PMID: 39377939), and observed in another individual with a second variant (p.(Gly115Arg)) and unclear phenotype or phasing (PMID: 37849993); No published evidence of segregation with disease has been identified for this variant; No published functional evidence has been identified for this variant; No comparable missense variants have previous evidence for pathogenicity. However, variants at the same residue with a stronger Grantham change have been reported. Alternative change p.(Arg341Ser) has been reported once in a heterozygous individual with haematuria and proteinuria (PMID: 39278986). Another change (p.(Arg341Cys)) has been classified as a VUS by clinical laboratories in ClinVar, observed in one individual with FSGS and another individual with proteinuria and CKD (PMID: 37078890, PMID: 35419377, PMID: 40806767); Variant is located in the annotated Y position within a GXY repeat (DECIPHER); Loss of function is a known mechanism of disease for this gene and is associated with Alport syndrome (MONDO:0018965), COL4A3-related. Dominant negative is a suspected mechanism of disease for glycine changes that are part of a G-X-Y repeat in the triple helix of a collagen domain (PMIDs: 12028435, 24046192, 38214412); Inheritance information for this variant is not currently available in this individual.

Laboratory of Prof. Karen Avraham, Tel Aviv University
Classification: Likely pathogenic for Alport syndrome 3b, autosomal recessive. Last evaluated: 2024-09-18. Review status: criteria provided, single submitter. Criteria: ACMG Guidelines, 2015. Collection method: research. Allele origin: germline. Inheritance: Autosomal recessive inheritance. Affected: yes. Observed: 1 variant allele.
Comment: According to two submissions in ClinVar the c.1022G>A:p.(Arg341His) variant was detected in two unrelated hearing impaired individuals.

GeneDx
Classification: Uncertain significance. Last evaluated: 2024-09-10. Review status: criteria provided, single submitter. Criteria: GeneDx Variant Classification Process June 2021. Collection method: clinical testing. Allele origin: germline. Affected: yes.
Comment: In silico analysis indicates that this missense variant does not alter protein structure/function; Occurs in the triple helical domain at the Y position in the canonical Gly-X-Y repeat; although this variant may have an effect on normal protein folding and function, missense substitution at the Y position is not a common mechanism of disease; Has not been previously published as pathogenic or benign to our knowledge

Women's Health and Genetics/Laboratory Corporation of America, LabCorp
Classification: Uncertain significance. Last evaluated: 2024-08-15. Review status: criteria provided, single submitter. Criteria: LabCorp Variant Classification Summary - May 2015. Collection method: clinical testing. Allele origin: germline.
Comment: Variant summary: COL4A3 c.1022G>A (p.Arg341His) results in a non-conservative amino acid change in the encoded protein sequence. Four of five in-silico tools predict a benign effect of the variant on protein function. The variant allele was found at a frequency of 3.6e-05 in 249392 control chromosomes. The available data on variant occurrences in the general population are insufficient to allow any conclusion about variant significance. c.1022G>A has been reported in the literature in individuals at least one individual with chronic kidney disease (e.g., Solanki_2023, delMarDelAquilaGarcia_2023 (preprint, no PMID)), however without co-segregation data or detailed clinical features. These report(s) do not provide unequivocal conclusions about association of the variant with Alport Syndrome, Autosomal Recessive. To our knowledge, no experimental evidence demonstrating an impact on protein function has been reported. The following publications has ascertained in the context of this evaluation (PMID: 37849993).ClinVar contains an entry for this variant (Variation ID: 599070). Based on the evidence outlined above, the variant was classified as uncertain significance.

Fulgent Genetics
Classification: Uncertain significance for Autosomal dominant Alport syndrome; Hematuria, benign familial, 2; Alport syndrome 3b, autosomal recessive. Last evaluated: 2024-05-08. Review status: criteria provided, single submitter. Criteria: ACMG Guidelines, 2015. Collection method: clinical testing. Allele origin: germline.

Blueprint Genetics
Classification: Uncertain significance. Last evaluated: 2023-05-08. Review status: criteria provided, single submitter. Criteria: ACMG Guidelines, 2015. Collection method: clinical testing. Allele origin: germline.

Bioscientia Institut fuer Medizinische Diagnostik GmbH, Sonic Healthcare
Classification: Uncertain significance for Autosomal dominant Alport syndrome. Last evaluated: 2018-01-17. Review status: no assertion criteria provided. Collection method: clinical testing. Allele origin: germline. Affected: yes. Not counted in ClinVar's aggregate classification.

Literature cited by the submitters: PubMed 37078890 (cited by Victorian Clinical Genetics Services, Murdoch Childrens Research Institute); PubMed 24046192 (cited by Victorian Clinical Genetics Services, Murdoch Childrens Research Institute); PubMed 39278986 (cited by Victorian Clinical Genetics Services, Murdoch Childrens Research Institute); PubMed 12028435 (cited by Victorian Clinical Genetics Services, Murdoch Childrens Research Institute); PubMed 37849993 (cited by Victorian Clinical Genetics Services, Murdoch Childrens Research Institute and Women's Health and Genetics/Laboratory Corporation of America, LabCorp); PubMed 40806767 (cited by Victorian Clinical Genetics Services, Murdoch Childrens Research Institute); PubMed 35419377 (cited by Victorian Clinical Genetics Services, Murdoch Childrens Research Institute); PubMed 39377939 (cited by Victorian Clinical Genetics Services, Murdoch Childrens Research Institute); PubMed 38214412 (cited by Victorian Clinical Genetics Services, Murdoch Childrens Research Institute).